The following is an entry in ClinVar:

ClinVar aggregate classification (germline): Uncertain significance. Review status: criteria provided, single submitter (1 of 4 stars). 2 submissions from 2 submitters: Uncertain significance (1). 1 of the submissions does not count toward it. Last evaluated 2018-04-16.

Conditions:
Oocyte maturation defect 4. Also called: OOCYTE/ZYGOTE/EMBRYO MATURATION ARREST 4. Identifiers: MedGen C4540284, MONDO:0021575, OMIM 617743.

Allele frequency attached by ClinVar (database versions not stated): gnomAD exomes 0.00001.
gnomAD v4.1: 9 of 1,549,294 alleles (0.00058%); highest among the groups gnomAD compares: East Asian, 0.0024%; no homozygotes.

Submissions (2):

SIB Swiss Institute of Bioinformatics
Classification: Uncertain significance for Oocyte maturation defect 4. Last evaluated: 2018-04-16. Review status: criteria provided, single submitter. Criteria: ACMG Guidelines, 2015. Collection method: curation. Allele origin: germline.
Comment: This variant is interpreted as a Uncertain Significance, for Oocyte maturation defect 4, Autosomal Recessive inheritance. The following ACMG Tag(s) were applied: PM2 => Absent from controls (or at extremely low frequency if recessive) in Exome Sequencing Project, 1000 Genomes Project, or Exome Aggregation Consortium. PP3 => Multiple lines of computational evidence support a deleterious effect on the gene or gene product. PP1 => Cosegregation with disease in multiple affected family members in a gene definitively known to cause the disease.

OMIM
Classification: Pathogenic for OOCYTE/ZYGOTE/EMBRYO MATURATION ARREST 4. Last evaluated: 2023-04-10. Review status: no assertion criteria provided. Collection method: literature only. Allele origin: germline. Not counted in ClinVar's aggregate classification.

Literature cited by the submitters: PubMed 28965844 (cited by SIB Swiss Institute of Bioinformatics and OMIM).

NM_001387263.1(PATL2):c.1108G>A (p.Gly370Arg)

Gene: PATL2 (PAT1 homolog 2; minus strand). Cytogenetic location: 15q21.1.
Variant type: single nucleotide variant.
Coding change: c.1108G>A on transcript NM_001387263.1 (MANE Select); coding-DNA position 1108, G replaced by A.
Protein change: p.Gly370Arg; replaces glycine 370 with arginine.
Molecular consequence: missense variant.
Genome position (GRCh38, 1-based): chr15:44,669,096, C>T on the plus strand (G>A on the coding strand, the complement: PATL2 is on the minus strand). VCF-style: chr15-44669096-C-T. GRCh37 (hg19) VCF-style: chr15-44961294-C-T.
Other names: NM_001145112.1:c.1108G>A(p.Gly370Arg); c.1108G>A, p.Gly370Arg (NM_001145112.2, NM_001387261.1, NM_001387262.1); c.541G>A, p.Gly181Arg (NM_001330283.2); c.1015G>A, p.Gly339Arg (NM_001387260.1, NM_001387264.1); short protein forms G370R, G181R, G339R.
Identifiers: ClinVar variation 444046 (VCV000444046.2), dbSNP rs1397500378, ClinGen allele CA392241081.